The following is an entry in ClinVar:

ClinVar aggregate classification (germline): Uncertain significance. Review status: criteria provided, multiple submitters, no conflicts (2 of 4 stars). 2 submissions from 2 submitters: Uncertain significance (2). Last evaluated 2023-08-09.

Conditions:
Dyskeratosis congenita. Identifiers: Orphanet 1775, MedGen C0265965, MONDO:0015780.

Allele frequency attached by ClinVar (database versions not stated): TOPMed below 0.00001; ExAC 0.00004; gnomAD exomes 0.00004 and 0.00011; gnomAD 0.00005.
gnomAD v4.1: 63 of 1,585,254 alleles (0.004%); highest among the groups gnomAD compares: Admixed American, 0.0035%; no homozygotes.

Submissions (2):

Blueprint Genetics
Classification: Uncertain significance. Last evaluated: 2023-08-09. Review status: criteria provided, single submitter. Criteria: ACMG Guidelines, 2015. Collection method: clinical testing. Allele origin: germline.

Labcorp Genetics (formerly Invitae), Labcorp
Classification: Uncertain significance for Dyskeratosis congenita. Last evaluated: 2021-03-31. Review status: criteria provided, single submitter. Criteria: Invitae Variant Classification Sherloc (09022015). Collection method: clinical testing. Allele origin: germline.
Comment: This sequence change falls in intron 2 of the CTC1 gene. It does not directly change the encoded amino acid sequence of the CTC1 protein. It affects a nucleotide within the consensus splice site of the intron. This variant is present in population databases (rs761189766, ExAC 0.05%). This variant has not been reported in the literature in individuals with CTC1-related conditions. Nucleotide substitutions within the consensus splice site are a relatively common cause of aberrant splicing (PMID: 17576681, 9536098). Algorithms developed to predict the effect of sequence changes on RNA splicing suggest that this variant is not likely to affect RNA splicing, but this prediction has not been confirmed by published transcriptional studies. In summary, the available evidence is currently insufficient to determine the role of this variant in disease. Therefore, it has been classified as a Variant of Uncertain Significance.

Literature cited by the submitters: PubMed 17576681 (cited by Labcorp Genetics (formerly Invitae), Labcorp); PubMed 9536098 (cited by Labcorp Genetics (formerly Invitae), Labcorp).

NM_025099.6(CTC1):c.198-3C>T

Gene: CTC1 (CST telomere replication complex component 1; minus strand). Cytogenetic location: 17p13.1.
Variant type: single nucleotide variant.
Coding change: c.198-3C>T on transcript NM_025099.6 (MANE Select); 3 bases into the intron before coding-DNA position 198, C replaced by T.
Molecular consequence: intron variant.
Genome position (GRCh38, 1-based): chr17:8,238,632, G>A on the plus strand (C>T on the coding strand, the complement: CTC1 is on the minus strand). VCF-style: chr17-8238632-G-A. GRCh37 (hg19) VCF-style: chr17-8141950-G-A.
Identifiers: ClinVar variation 1484714 (VCV001484714.7), dbSNP rs761189766, ClinGen allele CA8372679.